The following is an entry in ClinVar:

ClinVar aggregate classification (germline): Uncertain significance (1 of 4 stars; one submission).

Conditions:
Hereditary cancer-predisposing syndrome. Also called: Neoplastic Syndromes, Hereditary; Tumor predisposition; Hereditary neoplastic syndrome; Hereditary Cancer Syndrome. Identifiers: Orphanet 140162, MedGen C0027672, MeSH D009386, MONDO:0015356.

Submission:

Ambry Genetics
Classification: Uncertain significance for Hereditary cancer-predisposing syndrome. Last evaluated: 2026-07-13. Review status: criteria provided, single submitter. Criteria: Ambry Variant Classification Scheme 2023. Collection method: clinical testing. Allele origin: germline.
Comment: The p.P355T variant (also known as c.1063C>A), located in coding exon 4 of the BLM gene, results from a C to A substitution at nucleotide position 1063. The proline at codon 355 is replaced by threonine, an amino acid with highly similar properties. This amino acid position is conserved. In addition, this alteration is predicted to be tolerated by in silico analysis. Based on the available evidence, the clinical significance of this variant remains unclear.

NM_000057.4(BLM):c.1063C>A (p.Pro355Thr)

Gene: BLM (BLM RecQ like helicase; plus strand). Cytogenetic location: 15q26.1.
Variant type: single nucleotide variant.
Coding change: c.1063C>A on transcript NM_000057.4 (MANE Select); coding-DNA position 1063, C replaced by A.
Protein change: p.Pro355Thr; replaces proline 355 with threonine.
Molecular consequence: missense variant. On other transcripts: 5 prime UTR variant (1).
Genome position (GRCh38, 1-based): chr15:90,754,914, C>A. VCF-style: chr15-90754914-C-A. GRCh37 (hg19) VCF-style: chr15-91298144-C-A.
Other names: c.1063C>A, p.Pro355Thr (NM_001287246.2, NM_001287247.2); c.-229C>A (NM_001287248.2); short protein forms P355T.
Identifiers: ClinVar variation 5032904 (VCV005032904.1).